The following is an entry in ClinVar:

ClinVar aggregate classification (germline): Likely benign. Review status: criteria provided, multiple submitters, no conflicts (2 of 4 stars). 2 submissions from 2 submitters: Likely benign (2). Last evaluated 2025-02-10.

Conditions:
Bardet-Biedl syndrome (BBS). Identifiers: Orphanet 110, MedGen C0752166, MONDO:0015229.
BBS4-related disorder. Also called: BBS4-related condition.

Allele frequency attached by ClinVar (database versions not stated): gnomAD exomes 0.00004 and 0.00006; gnomAD 0.00005; ExAC 0.00006; TOPMed 0.00006; 1000 Genomes Project 30x 0.00016.
gnomAD v4.1: 74 of 1,613,982 alleles (0.0046%); highest among the groups gnomAD compares: Middle Eastern, 0.066%; no homozygotes.

Submissions (2):

Labcorp Genetics (formerly Invitae), Labcorp
Classification: Likely benign for Bardet-Biedl syndrome. Last evaluated: 2025-02-10. Review status: criteria provided, single submitter. Criteria: Invitae Variant Classification Sherloc (09022015). Collection method: clinical testing. Allele origin: germline.

PreventionGenetics, part of Exact Sciences
Classification: Likely benign for BBS4-related condition. Last evaluated: 2024-12-30. Review status: criteria provided, single submitter. Criteria: ACMG Guidelines, 2015. Collection method: clinical testing. Allele origin: germline.
Comment: This variant is classified as likely benign based on ACMG/AMP sequence variant interpretation guidelines (Richards et al. 2015 PMID: 25741868, with internal and published modifications).

NM_033028.5(BBS4):c.1158C>T (p.Gly386=)

Gene: BBS4 (Bardet-Biedl syndrome 4; plus strand). Cytogenetic location: 15q24.1.
Variant type: single nucleotide variant.
Coding change: c.1158C>T on transcript NM_033028.5 (MANE Select); coding-DNA position 1158, C replaced by T.
Protein change: p.Gly386=; no amino-acid change (glycine 386 retained).
Molecular consequence: synonymous variant. On other transcripts: non-coding transcript variant (2).
Genome position (GRCh38, 1-based): chr15:72,735,876, C>T. VCF-style: chr15-72735876-C-T. GRCh37 (hg19) VCF-style: chr15-73028217-C-T.
Other names: c.642C>T, p.Gly214= (NM_001252678.2); c.1089C>T, p.Gly363= (NM_001320665.2); c.1158C>T (NM_033028.4).
Identifiers: ClinVar variation 1061312 (VCV001061312.8), dbSNP rs1057402744, ClinGen allele CA7646928.